The following is an entry in ClinVar:

ClinVar aggregate classification (germline): Likely benign. Review status: criteria provided, multiple submitters, no conflicts (2 of 4 stars). 2 submissions from 2 submitters: Likely benign (2). Last evaluated 2026-09-01.

Allele frequency attached by ClinVar (database versions not stated): ESP Exome Variant Server 0.00431; 1000 Genomes Project 0.00479; TOPMed 0.00491; 1000 Genomes Project 30x 0.00515.
gnomAD v4.1: 9,426 of 1,613,898 alleles (0.58%); highest among the groups gnomAD compares: Middle Eastern, 2.5%; 66 homozygotes.

Submissions (2):

CeGaT Center for Human Genetics Tuebingen
Classification: Likely benign. Last evaluated: 2026-09-01. Review status: criteria provided, single submitter. Criteria: CeGaT Center For Human Genetics Tuebingen Variant Classification Criteria Version 2. Collection method: clinical testing. Allele origin: germline. Affected: yes. Observed: 30 variant alleles.
Comment: FLG: BP4, BS2

Breakthrough Genomics
Classification: Likely benign. Review status: criteria provided, single submitter. Criteria: ACMG Guidelines, 2015. Collection method: not provided. Allele origin: germline. Inheritance: Autosomal dominant inheritance. Affected: yes.

NM_002016.2(FLG):c.4309C>T (p.Arg1437Cys)

Genes: CCDST (cervical cancer associated DHX9 suppressive transcript; plus strand), FLG (filaggrin; minus strand). Cytogenetic location: 1q21.3.
Variant type: single nucleotide variant.
Coding change: c.4309C>T on transcript NM_002016.2 (MANE Select); coding-DNA position 4309, C replaced by T.
Protein change: p.Arg1437Cys; replaces arginine 1437 with cysteine.
Molecular consequence: missense variant.
Genome position (GRCh38, 1-based): chr1:152,310,577, G>A on the plus strand (C>T on the coding strand, the complement: FLG is on the minus strand). VCF-style: chr1-152310577-G-A. GRCh37 (hg19) VCF-style: chr1-152283053-G-A.
Other names: short protein forms R1437C.
Identifiers: ClinVar variation 916211 (VCV000916211.41), dbSNP rs12750571, ClinGen allele CA1106282.